The following is an entry in ClinVar:

NM_005334.3(HCFC1):c.4334-16C>G

Gene: HCFC1 (host cell factor C1; minus strand). Cytogenetic location: Xq28.
Variant type: single nucleotide variant.
Coding change: c.4334-16C>G on transcript NM_005334.3 (MANE Select); 16 bases into the intron before coding-DNA position 4334, C replaced by G.
Molecular consequence: intron variant.
Genome position (GRCh38, 1-based): chrX:153,953,786, G>C on the plus strand (C>G on the coding strand, the complement: HCFC1 is on the minus strand). VCF-style: chrX-153953786-G-C. GRCh37 (hg19) VCF-style: chrX-153219237-G-C.
Other names: c.4334-16C>G (NM_001410705.1).
Identifiers: ClinVar variation 3336313 (VCV003336313.1).
Genomic context (GRCh38, chrX:153,953,786, plus strand): 5'-GGGTGCTCTCCACCTCTCCCTGATCGCTGGCAGCAGGTGGGGGGTCTGTGGGGGCGACAG[G>C]CAGGCGGCTGCTCAGCAGGAGCCCCCCCGGCCTGTACTTGGCTTGACCACCACAGGCTTC-3'

ClinVar aggregate classification (germline): Likely benign (1 of 4 stars; one submission).

gnomAD v4.1: 1 of 1,188,869 alleles (0.000084%); highest among the groups gnomAD compares: Admixed American, 0.0023%; no homozygotes.

Submission:

Women's Health and Genetics/Laboratory Corporation of America, LabCorp
Classification: Likely benign. Last evaluated: 2024-05-29. Review status: criteria provided, single submitter. Criteria: LabCorp Variant Classification Summary - May 2015. Collection method: clinical testing. Allele origin: germline.
Comment: Variant summary: HCFC1 c.4334-16C>G alters a non-conserved nucleotide located at a position not widely known to affect splicing. Consensus agreement among computation tools predict no significant impact on normal splicing. However, these predictions have yet to be confirmed by functional studies. The variant was absent in 140453 control chromosomes. The available data on variant occurrences in the general population are insufficient to allow any conclusion about variant significance. To our knowledge, no occurrence of c.4334-16C>G in individuals affected with Methylmalonic Acidemia With Homocystinuria and no experimental evidence demonstrating its impact on protein function have been reported. No submitters have cited clinical-significance assessments for this variant to ClinVar. Based on the evidence outlined above, the variant was classified as likely benign.